The following is an entry in ClinVar:

NM_001077365.2(POMT1):c.720del (p.Leu240fs)

Gene: POMT1 (protein O-mannosyltransferase 1; plus strand). Cytogenetic location: 9q34.13.
Variant type: Deletion.
Coding change: c.720del on transcript NM_001077365.2 (MANE Select); coding-DNA position 720, one base deleted (G; older notation c.720delG).
Protein change: p.Leu240fs; shifts the reading frame from leucine 240.
Molecular consequence: frameshift variant. On other transcripts: non-coding transcript variant (10).
Genome position (GRCh38, 1-based): chr9:131,510,280, G deleted. VCF-style (leftmost placement, unchanged base first): chr9-131510279-TG-T. GRCh37 (hg19) VCF-style: chr9-134385666-TG-T.
Other names: c.558del, p.Leu186fs (NM_001077366.2, NM_001353194.2, NM_001374693.1); c.720del, p.Leu240fs (NM_001136113.2, NM_001374690.1); c.369del, p.Leu123fs (NM_001136114.2, NM_001353195.2, NM_001374691.1 and 1 more transcripts); c.786del, p.Leu262fs (NM_001353193.2, NM_007171.4); c.630del, p.Leu210fs (NM_001353196.2); c.624del, p.Leu208fs (NM_001353197.2, NM_001353198.2); c.435del, p.Leu145fs (NM_001353199.2); c.264del, p.Leu88fs (NM_001353200.2); and 3 more; short protein forms L110fs, L123fs, L145fs, L208fs, L88fs, A235fs, L186fs, L210fs.
Identifiers: ClinVar variation 1930280 (VCV001930280.5), dbSNP rs2539145885, ClinGen allele CA2580079932.

ClinVar aggregate classification (germline): Pathogenic (1 of 4 stars; one submission).

Conditions:
Walker-Warburg congenital muscular dystrophy. Also called: Muscular dystrophy-dystroglycanopathy, type A; Walker-Warburg syndrome. Identifiers: Orphanet 899, MedGen C0265221, MONDO:0000171.
Muscular dystrophy-dystroglycanopathy (congenital with impaired intellectual development), type B, 1. Also called: MUSCULAR DYSTROPHY, CONGENITAL, POMT1-RELATED; Muscular dystrophy-dystroglycanopathy (congenital with intellectual disability), type B1. Identifiers: MedGen C5436962, MONDO:0013159, OMIM 613155.
Autosomal recessive limb-girdle muscular dystrophy type 2K. Also called: MUSCULAR DYSTROPHY-DYSTROGLYCANOPATHY (LIMB-GIRDLE), TYPE C, 1; MUSCULAR DYSTROPHY, LIMB-GIRDLE, TYPE 2K. Identifiers: Orphanet 86812, MedGen C1836373, MONDO:0012248, OMIM 609308.

Submission:

Labcorp Genetics (formerly Invitae), Labcorp
Classification: Pathogenic for Muscular dystrophy-dystroglycanopathy (congenital with impaired intellectual development), type B, 1; Walker-Warburg congenital muscular dystrophy; Autosomal recessive limb-girdle muscular dystrophy type 2K. Last evaluated: 2022-08-05. Review status: criteria provided, single submitter. Criteria: Invitae Variant Classification Sherloc (09022015). Collection method: clinical testing. Allele origin: germline.
Comment: For these reasons, this variant has been classified as Pathogenic. This variant has not been reported in the literature in individuals affected with POMT1-related conditions. This variant is not present in population databases (gnomAD no frequency). This sequence change creates a premature translational stop signal (p.Leu262Phefs*24) in the POMT1 gene. It is expected to result in an absent or disrupted protein product. Loss-of-function variants in POMT1 are known to be pathogenic (PMID: 12369018, 15637732, 16575835).

Literature cited by the submitters: PubMed 12369018; PubMed 15637732; PubMed 16575835.